The following is an entry in ClinVar:

ClinVar aggregate classification (germline): Likely benign. Review status: criteria provided, multiple submitters, no conflicts (2 of 4 stars). 3 submissions from 3 submitters: Likely benign (3). Last evaluated 2023-07-08.

Conditions:
Alstrom syndrome (ALMS). Identifiers: Orphanet 64, MedGen C0268425, MONDO:0008763, OMIM 203800.
Cardiovascular phenotype. Identifiers: MedGen CN230736.

Allele frequency attached by ClinVar (database versions not stated): gnomAD exomes 0.00001; ExAC 0.00002.
gnomAD v4.1: 3 of 1,614,122 alleles (0.00019%); highest among the groups gnomAD compares: East Asian, 0.0022%; no homozygotes.

Submissions (3):

Labcorp Genetics (formerly Invitae), Labcorp
Classification: Likely benign for Alstrom syndrome. Last evaluated: 2023-07-08. Review status: criteria provided, single submitter. Criteria: Invitae Variant Classification Sherloc (09022015). Collection method: clinical testing. Allele origin: germline.

Ambry Genetics
Classification: Likely benign for Cardiovascular phenotype. Last evaluated: 2022-11-07. Review status: criteria provided, single submitter. Criteria: Ambry Variant Classification Scheme 2023. Collection method: clinical testing. Allele origin: germline.

GeneDx
Classification: Likely benign. Last evaluated: 2018-05-23. Review status: criteria provided, single submitter. Criteria: GeneDx Variant Classification (06012015). Collection method: clinical testing. Allele origin: germline. Affected: yes.
Comment: This variant is considered likely benign or benign based on one or more of the following criteria: it is a conservative change, it occurs at a poorly conserved position in the protein, it is predicted to be benign by multiple in silico algorithms, and/or has population frequency not consistent with disease.

NM_001378454.1(ALMS1):c.3267A>G (p.Thr1089=)

Gene: ALMS1 (ALMS1 centrosome and basal body associated protein; plus strand). Cytogenetic location: 2p13.1.
Variant type: single nucleotide variant.
Coding change: c.3267A>G on transcript NM_001378454.1 (MANE Select); coding-DNA position 3267, A replaced by G.
Protein change: p.Thr1089=; no amino-acid change (threonine 1089 retained).
Molecular consequence: synonymous variant.
Genome position (GRCh38, 1-based): chr2:73,449,794, A>G. VCF-style: chr2-73449794-A-G. GRCh37 (hg19) VCF-style: chr2-73676921-A-G.
Other names: c.3270A>G, p.Thr1090= (NM_015120.4).
Identifiers: ClinVar variation 668583 (VCV000668583.6), dbSNP rs773260160, ClinGen allele CA1713492.